The following is an entry in ClinVar:

NM_001242896.3(DEPDC5):c.1287+1G>A

Gene: DEPDC5 (DEP domain containing 5, GATOR1 subcomplex subunit; plus strand). Cytogenetic location: 22q12.3.
Variant type: single nucleotide variant.
Coding change: c.1287+1G>A on transcript NM_001242896.3 (MANE Select); the canonical splice donor site of the intron after coding-DNA position 1287, G replaced by A.
Molecular consequence: splice donor variant.
Genome position (GRCh38, 1-based): chr22:31,806,192, G>A. VCF-style: chr22-31806192-G-A. GRCh37 (hg19) VCF-style: chr22-32202178-G-A.
Other names: c.1287+1G>A (NM_001364318.2, NM_001136029.4, NM_014662.6 and 7 more transcripts); c.1203+1G>A (NM_001369902.1, NM_001369901.1).
Identifiers: ClinVar variation 2817431 (VCV002817431.4), dbSNP rs2518976938, ClinGen allele CA411276468.

ClinVar aggregate classification (germline): Pathogenic/Likely pathogenic. Review status: criteria provided, multiple submitters, no conflicts (2 of 4 stars). 2 submissions from 2 submitters: Pathogenic (1); Likely pathogenic (1). Last evaluated 2025-02-26.

Conditions:
Familial focal epilepsy with variable foci (FPEVF). Identifiers: Orphanet 98820, MedGen C1858477, MONDO:0020310.
Epilepsy, familial focal, with variable foci 1 (FFEVF1). Also called: DEPDC5-Related Epilepsy. Identifiers: MedGen C4551983, MONDO:0024556, OMIM 604364.

Submissions (2):

3billion
Classification: Pathogenic for Epilepsy, familial focal, with variable foci 1. Last evaluated: 2025-02-26. Review status: criteria provided, single submitter. Criteria: ACMG Guidelines, 2015. Collection method: clinical testing. Allele origin: germline. Affected: yes.
Comment: The variant is not observed in the gnomAD v4.1.0 dataset. Predicted Consequence/Location: Canonical splice site: predicted to alter splicing and result in a loss or disruption of normal protein function. Multiple pathogenic loss-of-function variants are reported downstream of the variant. In silico tools predict the variant to alter splicing and produce an abnormal transcript [SpliceAI: 1.00 (spliceogenicity >=0.2, non-spliceogenicity <0.1)]. The variant has been reported to be associated with DEPDC5-related disorder (ClinVar ID: VCV002817431). Therefore, this variant is classified as Pathogenic according to the recommendation of ACMG/AMP guideline.

Labcorp Genetics (formerly Invitae), Labcorp
Classification: Likely pathogenic for Familial focal epilepsy with variable foci. Last evaluated: 2022-11-29. Review status: criteria provided, single submitter. Criteria: Invitae Variant Classification Sherloc (09022015). Collection method: clinical testing. Allele origin: germline.
Comment: This sequence change affects a donor splice site in intron 18 of the DEPDC5 gene. It is expected to disrupt RNA splicing. Variants that disrupt the donor or acceptor splice site typically lead to a loss of protein function (PMID: 16199547), and loss-of-function variants in DEPDC5 are known to be pathogenic (PMID: 23542697, 23542701). This variant is not present in population databases (gnomAD no frequency). Disruption of this splice site has been observed in individual(s) with clinical features of DEPDC5-related conditions (Invitae). Algorithms developed to predict the effect of sequence changes on RNA splicing suggest that this variant may disrupt the consensus splice site. In summary, the currently available evidence indicates that the variant is pathogenic, but additional data are needed to prove that conclusively. Therefore, this variant has been classified as Likely Pathogenic.

Literature cited by the submitters: PubMed 16199547 (cited by Labcorp Genetics (formerly Invitae), Labcorp); PubMed 23542697 (cited by Labcorp Genetics (formerly Invitae), Labcorp); PubMed 23542701 (cited by Labcorp Genetics (formerly Invitae), Labcorp).